The following is an entry in ClinVar:

NM_000993.5(RPL31):c.48C>T (p.Ala16=)

Gene: RPL31 (ribosomal protein L31; plus strand). Cytogenetic location: 2q11.2.
Variant type: single nucleotide variant.
Coding change: c.48C>T on transcript NM_000993.5 (MANE Select); coding-DNA position 48, C replaced by T.
Protein change: p.Ala16=; no amino-acid change (alanine 16 retained).
Molecular consequence: synonymous variant.
Genome position (GRCh38, 1-based): chr2:101,002,749, C>T. VCF-style: chr2-101002749-C-T. GRCh37 (hg19) VCF-style: chr2-101619211-C-T.
Other names: c.48C>T, p.Ala16= (NM_001098577.3, NM_001098578.1, NM_001099693.2).
Identifiers: ClinVar variation 1971968 (VCV001971968.20), dbSNP rs141007382, ClinGen allele CA1804181.
Genomic context (GRCh38, chr2:101,002,749, plus strand): 5'-CGCCTGCATTTAGATGGCTCCCGCAAAGAAGGGTGGCGAGAAGAAAAAGGGCCGTTCTGC[C>T]ATCAACGAAGTGGTAACCCGAGAATACACCATCAACATTCACAAGCGCATCCATGGAGTG-3'
Protein context (NP_000984.1, residues 6-26): KGGEKKKGRS[Ala16=]INEVVTREYT

ClinVar aggregate classification (germline): Benign/Likely benign. Review status: criteria provided, multiple submitters, no conflicts (2 of 4 stars). 3 submissions from 3 submitters: Benign (1); Likely benign (2). Last evaluated 2026-02-01.

Allele frequency attached by ClinVar (database versions not stated): gnomAD exomes 0.00011; ExAC 0.00031; gnomAD 0.00066; 1000 Genomes Project 30x 0.00094; TOPMed 0.00094; 1000 Genomes Project 0.00100; ESP Exome Variant Server 0.00100.
gnomAD v4.1: 298 of 1,614,192 alleles (0.018%); highest among the groups gnomAD compares: African/African-American, 0.25%; 6 homozygotes.

Submissions (3):

Labcorp Genetics (formerly Invitae), Labcorp
Classification: Benign. Last evaluated: 2026-02-01. Review status: criteria provided, single submitter. Criteria: Invitae Variant Classification Sherloc (09022015). Collection method: clinical testing. Allele origin: germline.

CeGaT Center for Human Genetics Tuebingen
Classification: Likely benign. Last evaluated: 2024-10-01. Review status: criteria provided, single submitter. Criteria: CeGaT Center For Human Genetics Tuebingen Variant Classification Criteria Version 2. Collection method: clinical testing. Allele origin: germline. Affected: yes. Observed: 1 variant allele.
Comment: RPL31: BP4, BP7

Blueprint Genetics
Classification: Likely benign. Last evaluated: 2024-09-23. Review status: criteria provided, single submitter. Criteria: ACMG Guidelines, 2015. Collection method: clinical testing. Allele origin: germline.